The following is an entry in ClinVar:

NC_000001.10:g.(?_120254646)_(120283161_?)del

Gene: PHGDH (phosphoglycerate dehydrogenase; plus strand). Cytogenetic location: 1p12.
Variant type: Deletion.
Identifiers: ClinVar variation 3247782 (VCV003247782.1).

ClinVar aggregate classification (germline): Pathogenic (1 of 4 stars; one submission).

Conditions:
PHGDH deficiency. Identifiers: Orphanet 79351, MedGen C1866174, MONDO:0011152, OMIM 601815.

Submission:

Labcorp Genetics (formerly Invitae), Labcorp
Classification: Pathogenic for PHGDH deficiency. Last evaluated: 2023-06-14. Review status: criteria provided, single submitter. Criteria: Invitae Variant Classification Sherloc (09022015). Collection method: clinical testing. Allele origin: unknown.
Comment: For these reasons, this variant has been classified as Pathogenic. This variant has not been reported in the literature in individuals affected with PHGDH-related conditions. This variant is a gross deletion of the genomic region encompassing exon(s) 1-9 of the PHGDH gene, which includes the initiator codon. This deletion extends beyond the assayed region for this gene and therefore may encompass additional genes. It is expected to result in an absent or disrupted protein product. Loss-of-function variants in PHGDH are known to be pathogenic (PMID: 14645240, 24836451).

Literature cited by the submitters: PubMed 14645240; PubMed 24836451.